The following is an entry in ClinVar:

ClinVar aggregate classification (germline): Uncertain significance (1 of 4 stars; one submission).

Conditions:
Hereditary sensory and autonomic neuropathy type 6. Also called: HSAN VI; Neuropathy, hereditary sensory and autonomic, type VI. Identifiers: Orphanet 314381, MedGen C3539003, MONDO:0013839, OMIM 614653.
Epidermolysis bullosa simplex 3, localized or generalized intermediate, with BP230 deficiency (EBS3). Also called: Epidermolysis bullosa simplex, autosomal recessive 2; Epidermolysis bullosa simplex due to BP230 deficiency. Identifiers: Orphanet 412181, MedGen C3809470, MONDO:0014180, OMIM 615425.

gnomAD v4.1: 2 of 1,613,696 alleles (0.00012%); highest among the groups gnomAD compares: Non-Finnish European, 0.00017%; no homozygotes.

Submission:

Labcorp Genetics (formerly Invitae), Labcorp
Classification: Uncertain significance for Epidermolysis bullosa simplex 3, localized or generalized intermediate, with BP230 deficiency; Hereditary sensory and autonomic neuropathy type 6. Last evaluated: 2021-09-02. Review status: criteria provided, single submitter. Criteria: Invitae Variant Classification Sherloc (09022015). Collection method: clinical testing. Allele origin: germline.
Comment: This sequence change replaces serine with asparagine at codon 462 of the DST protein (p.Ser462Asn). The serine residue is highly conserved and there is a small physicochemical difference between serine and asparagine. This variant is not present in population databases (ExAC no frequency). This variant has not been reported in the literature in individuals affected with DST-related conditions. Algorithms developed to predict the effect of missense changes on protein structure and function are either unavailable or do not agree on the potential impact of this missense change (SIFT: "Deleterious"; PolyPhen-2: "Benign"; Align-GVGD: "Class C45"). In summary, the available evidence is currently insufficient to determine the role of this variant in disease. Therefore, it has been classified as a Variant of Uncertain Significance.

NM_001374736.1(DST):c.2996G>A (p.Ser999Asn)

Gene: DST (dystonin; minus strand). Cytogenetic location: 6p12.1.
Variant type: single nucleotide variant.
Coding change: c.2996G>A on transcript NM_001374736.1 (MANE Select); coding-DNA position 2996, G replaced by A.
Protein change: p.Ser999Asn; replaces serine 999 with asparagine.
Molecular consequence: missense variant.
Genome position (GRCh38, 1-based): chr6:56,636,621, C>T on the plus strand (G>A on the coding strand, the complement: DST is on the minus strand). VCF-style: chr6-56636621-C-T. GRCh37 (hg19) VCF-style: chr6-56501419-C-T.
Other names: c.1385G>A, p.Ser462Asn (NM_015548.5, NM_001723.7); c.2363G>A, p.Ser788Asn (NM_183380.4, NM_001374729.1, NM_001374730.1 and 1 more transcripts); c.2897G>A, p.Ser966Asn (NM_001144769.5); c.2483G>A, p.Ser828Asn (NM_001144770.2); c.2996G>A, p.Ser999Asn (NM_001374722.1); c.3023G>A, p.Ser1008Asn (NM_001374734.1); short protein forms S1008N, S966N, S462N, S999N, S788N, S828N.
Identifiers: ClinVar variation 1347787 (VCV001347787.5), dbSNP rs2152770326, ClinGen allele CA364576993.